The following is an entry in ClinVar:

ClinVar aggregate classification (germline): Conflicting classifications of pathogenicity. Review status: criteria provided, conflicting classifications (1 of 4 stars). 6 submissions from 6 submitters: Uncertain significance (1); Benign (1); Likely benign (3). 1 of the submissions does not count toward it. Last evaluated 2026-01-28.

Conditions:
Inborn genetic diseases. Identifiers: MedGen C0950123, MeSH D030342.
Monocytopenia with susceptibility to infections. Also called: MONOCYTOPENIA AND MYCOBACTERIAL INFECTION SYNDROME; MONOCYTOPENIA WITH SUSCEPTIBILITY TO MYCOBACTERIAL, FUNGAL, AND PAPILLOMAVIRUS INFECTIONS AND MYELODYSPLASIA; COMBINED IMMUNODEFICIENCY WITH SUSCEPTIBILITY TO MYCOBACTERIAL, VIRAL, AND FUNGAL INFECTIONS; Dendritic cell, monocyte, B lymphocyte, and natural killer lymphocyte deficiency; IMMUNODEFICIENCY 21; GATA2 DEFICIENCY. Identifiers: Orphanet 228423, MedGen C3280030, MONDO:0013607, OMIM 614172.
Deafness-lymphedema-leukemia syndrome. Also called: Lymphedema, primary, with myelodysplasia; Emberger syndrome. Identifiers: Orphanet 3226, MedGen C3279664, MONDO:0013540, OMIM 614038.
GATA2-related disorder. Also called: GATA2-Related Disorders; GATA2-related condition.

Allele frequency attached by ClinVar (database versions not stated): gnomAD 0.00051 and 0.00057; TOPMed 0.00053; ESP Exome Variant Server 0.00062; 1000 Genomes Project 0.00140; 1000 Genomes Project 30x 0.00172.
gnomAD v4.1: 222 of 1,598,488 alleles (0.014%); highest among the groups gnomAD compares: African/African-American, 0.15%; no homozygotes.

Submissions (7):

Labcorp Genetics (formerly Invitae), Labcorp
Classification: Benign for Monocytopenia with susceptibility to infections; Deafness-lymphedema-leukemia syndrome. Last evaluated: 2026-01-28. Review status: criteria provided, single submitter. Criteria: Invitae Variant Classification Sherloc (09022015). Collection method: clinical testing. Allele origin: germline.

CeGaT Center for Human Genetics Tuebingen
Classification: Likely benign. Last evaluated: 2024-11-01. Review status: criteria provided, single submitter. Criteria: CeGaT Center For Human Genetics Tuebingen Variant Classification Criteria Version 2. Collection method: clinical testing. Allele origin: germline. Affected: yes. Observed: 1 variant allele.
Comment: GATA2: BP4, BP7, BS1

Blueprint Genetics
Classification: Likely benign. Last evaluated: 2024-09-02. Review status: criteria provided, single submitter. Criteria: ACMG Guidelines, 2015. Collection method: clinical testing. Allele origin: germline.

Ambry Genetics
Classification: Likely benign for Inborn genetic diseases. Last evaluated: 2024-08-21. Review status: criteria provided, single submitter. Criteria: Ambry Variant Classification Scheme 2023. Collection method: clinical testing. Allele origin: germline.

Mayo Clinic Laboratories, Mayo Clinic
Classification: Uncertain significance. Last evaluated: 2020-10-07. Review status: criteria provided, single submitter. Criteria: ACMG Guidelines, 2015. Collection method: clinical testing. Allele origin: germline. Observed: 1 variant allele.

PreventionGenetics, part of Exact Sciences
Classification: Likely benign for GATA2-related condition. Last evaluated: 2024-06-05. Review status: no assertion criteria provided. Collection method: clinical testing. Allele origin: germline. Not counted in ClinVar's aggregate classification.
Comment: This variant is classified as likely benign based on ACMG/AMP sequence variant interpretation guidelines (Richards et al. 2015 PMID: 25741868, with internal and published modifications).

Dr. Peter K. Rogan Lab, Western University
No classification provided (evidence only). Condition: Malignant tumor of urinary bladder. Review status: no classification provided. Collection method: in vitro. Allele origin: not applicable. Functional consequence: retained intron. Not counted in ClinVar's aggregate classification.

NM_032638.5(GATA2):c.279G>A (p.Pro93=)

Gene: GATA2 (GATA binding protein 2; minus strand). Cytogenetic location: 3q21.3.
Variant type: single nucleotide variant.
Coding change: c.279G>A on transcript NM_032638.5 (MANE Select); coding-DNA position 279, G replaced by A.
Protein change: p.Pro93=; no amino-acid change (proline 93 retained).
Molecular consequence: synonymous variant.
Genome position (GRCh38, 1-based): chr3:128,486,319, C>T on the plus strand (G>A on the coding strand, the complement: GATA2 is on the minus strand). VCF-style: chr3-128486319-C-T. GRCh37 (hg19) VCF-style: chr3-128205162-C-T.
Other names: c.279G>A, p.Pro93= (NM_001145661.2, NM_001145662.1).
Identifiers: ClinVar variation 241722 (VCV000241722.34), dbSNP rs142993548, ClinGen allele CA2600046.